The following is an entry in ClinVar:

ClinVar aggregate classification (germline): Uncertain significance. Review status: criteria provided, multiple submitters, no conflicts (2 of 4 stars). 2 submissions from 2 submitters: Uncertain significance (2). Last evaluated 2025-10-24.

Conditions:
Aortic aneurysm, familial thoracic 7 (AAT7). Also called: AORTIC DISSECTION, FAMILIAL, WITH OR WITHOUT AORTIC ANEURYSM. Identifiers: MedGen C3151077, MONDO:0013418, OMIM 613780.

Submissions (2):

Mayo Clinic Laboratories, Mayo Clinic
Classification: Uncertain significance. Last evaluated: 2025-10-24. Review status: criteria provided, single submitter. Criteria: ACMG Guidelines, 2015. Collection method: clinical testing. Allele origin: germline. Observed: 1 variant allele.
Comment: PM2_supporting, PM4

Labcorp Genetics (formerly Invitae), Labcorp
Classification: Uncertain significance for Aortic aneurysm, familial thoracic 7. Last evaluated: 2021-10-11. Review status: criteria provided, single submitter. Criteria: Invitae Variant Classification Sherloc (09022015). Collection method: clinical testing. Allele origin: germline.
Comment: In summary, the available evidence is currently insufficient to determine the role of this variant in disease. Therefore, it has been classified as a Variant of Uncertain Significance. Experimental studies and prediction algorithms are not available or were not evaluated, and the functional significance of this variant is currently unknown. This variant has not been reported in the literature in individuals affected with MYLK-related conditions. This variant is not present in population databases (ExAC no frequency). This variant, c.222_227del, results in the deletion of 2 amino acid(s) of the MYLK protein (p.Ser75_Gly76del), but otherwise preserves the integrity of the reading frame.

NM_053025.4(MYLK):c.222_227del (p.Ser75_Gly76del)

Gene: MYLK (myosin light chain kinase; minus strand). Cytogenetic location: 3q21.1.
Variant type: Deletion.
Coding change: c.222_227del on transcript NM_053025.4 (MANE Select); coding-DNA positions 222 to 227, 6 bases deleted (CAGCGG; older notation c.222_227delCAGCGG).
Protein change: p.Ser75_Gly76del.
Molecular consequence: inframe deletion. On other transcripts: intron variant (1).
Genome position (GRCh38, 1-based): chr3:123,752,477-123,752,482, CCGCTG deleted on the plus strand (CAGCGG on the coding strand, the reverse complement: MYLK is on the minus strand). VCF-style (leftmost placement, unchanged base first): chr3-123752476-CCCGCTG-C. GRCh37 (hg19) VCF-style: chr3-123471323-CCCGCTG-C.
Other names: p.Ser75_Gly76del; c.222_227del, p.Ser75_Gly76del (NM_053026.4, NM_053027.4, NM_053028.4); c.-155-12481_-155-12476del (NM_001321309.2).
Identifiers: ClinVar variation 1419398 (VCV001419398.6), dbSNP rs2108881345, ClinGen allele CA2573136428.
Genomic context (GRCh38, chr3:123,752,476, plus strand): 5'-GACAGCATGAATCACAAGGCTGAAAGTCCCCCGGATGCCGCAATCCAGCAGGAAGCGGCC[CCCGCTG>C]GTGATGGGTTGCCCGTTTCTGTGCCATGTCACCTGGGGCTCTGGGTAACCCCGGACCTTC-3'